The following is an entry in ClinVar:

NM_000455.5(STK11):c.1157T>C (p.Leu386Pro)

Gene: STK11 (serine/threonine kinase 11; plus strand). Cytogenetic location: 19p13.3.
Variant type: single nucleotide variant.
Coding change: c.1157T>C on transcript NM_000455.5 (MANE Select); coding-DNA position 1157, T replaced by C.
Protein change: p.Leu386Pro; replaces leucine 386 with proline.
Molecular consequence: missense variant.
Genome position (GRCh38, 1-based): chr19:1,226,502, T>C. VCF-style: chr19-1226502-T-C. GRCh37 (hg19) VCF-style: chr19-1226501-T-C.
Other names: short protein forms L386P.
Identifiers: ClinVar variation 849647 (VCV000849647.12), dbSNP rs876658871, ClinGen allele CA402953419.

ClinVar aggregate classification (germline): Conflicting classifications of pathogenicity. Review status: criteria provided, conflicting classifications (1 of 4 stars). 2 submissions from 2 submitters: Uncertain significance (1); Likely benign (1). Last evaluated 2026-09-11.

Conditions:
Peutz-Jeghers syndrome (PJS). Also called: POLYPOSIS, HAMARTOMATOUS INTESTINAL; POLYPS-AND-SPOTS SYNDROME; Peutz-Jeghers polyposis; Periorificial lentiginosis syndrome. Identifiers: Orphanet 2869, MedGen C0031269, MeSH D010580, MONDO:0008280, OMIM 175200.
Hereditary cancer-predisposing syndrome. Also called: Tumor predisposition; Hereditary neoplastic syndrome; Neoplastic Syndromes, Hereditary; Hereditary Cancer Syndrome. Identifiers: Orphanet 140162, MedGen C0027672, MeSH D009386, MONDO:0015356.

Submissions (2):

Ambry Genetics
Classification: Likely benign for Hereditary cancer-predisposing syndrome. Last evaluated: 2026-09-11. Review status: criteria provided, single submitter. Criteria: Ambry Variant Classification Scheme 2023. Collection method: clinical testing. Allele origin: germline.

Labcorp Genetics (formerly Invitae), Labcorp
Classification: Uncertain significance for Peutz-Jeghers syndrome. Last evaluated: 2024-12-04. Review status: criteria provided, single submitter. Criteria: Invitae Variant Classification Sherloc (09022015). Collection method: clinical testing. Allele origin: germline.
Comment: This sequence change replaces leucine, which is neutral and non-polar, with proline, which is neutral and non-polar, at codon 386 of the STK11 protein (p.Leu386Pro). This variant is not present in population databases (gnomAD no frequency). This variant has not been reported in the literature in individuals affected with STK11-related conditions. ClinVar contains an entry for this variant (Variation ID: 849647). Invitae Evidence Modeling of protein sequence and biophysical properties (such as structural, functional, and spatial information, amino acid conservation, physicochemical variation, residue mobility, and thermodynamic stability) indicates that this missense variant is not expected to disrupt STK11 protein function with a negative predictive value of 95%. In summary, the available evidence is currently insufficient to determine the role of this variant in disease. Therefore, it has been classified as a Variant of Uncertain Significance.